The following is an entry in ClinVar:

NM_000186.4(CFH):c.1979A>G (p.Asn660Ser)

Gene: CFH (complement factor H; plus strand). Cytogenetic location: 1q31.3.
Variant type: single nucleotide variant.
Coding change: c.1979A>G on transcript NM_000186.4 (MANE Select); coding-DNA position 1979, A replaced by G.
Protein change: p.Asn660Ser; replaces asparagine 660 with serine.
Molecular consequence: missense variant.
Genome position (GRCh38, 1-based): chr1:196,726,575, A>G. VCF-style: chr1-196726575-A-G. GRCh37 (hg19) VCF-style: chr1-196695705-A-G.
Other names: short protein forms N660S.
Identifiers: ClinVar variation 4291437 (VCV004291437.1).

ClinVar aggregate classification (germline): Uncertain significance (1 of 4 stars; one submission).

Conditions:
Atypical hemolytic-uremic syndrome. Identifiers: Orphanet 2134, MedGen C2931788, MONDO:0016244.
Basal laminar drusen. Also called: DRUSEN OF BRUCH MEMBRANE; DRUSEN, CUTICULAR; DRUSEN, EARLY ADULT-ONSET, GROUPED. Identifiers: Orphanet 75376, MedGen C0730295, MONDO:0007472, OMIM 126700.
Factor H deficiency (CFHD). Also called: COMPLEMENT FACTOR H DEFICIENCY; CFH DEFICIENCY. Identifiers: Orphanet 200421, MedGen C0398777, MONDO:0012350, OMIM 609814.
Age related macular degeneration 4. Identifiers: MedGen C1853147, MONDO:0012540, OMIM 610698.

Submission:

Genomenon, Inc
Classification: Uncertain significance for Basal laminar drusen; Age related macular degeneration 4; Atypical hemolytic-uremic syndrome; Factor H deficiency. Last evaluated: 2025-10-02. Review status: criteria provided, single submitter. Criteria: Genomenon Sequence Variant Interpretation Standards - Updated. Collection method: curation. Allele origin: germline. Affected: no.
Comment: CFH p.Asn660Ser (c.1979A>G) is a missense variant that changes the amino acid at residue 660 from Asparagine to Serine. This variant has been reported in the published literature (PMID:36211394). It is absent or not present at a significant frequency in gnomAD. In silico models agree that this variant is not damaging. In conclusion, we classify CFH p.Asn660Ser (c.1979A>G) as a variant of uncertain significance.

Literature cited by the submitters: PubMed 36211394.